The following is an entry in ClinVar:

ClinVar aggregate classification (germline): Pathogenic/Likely pathogenic. Review status: criteria provided, multiple submitters, no conflicts (2 of 4 stars). 4 submissions from 4 submitters: Pathogenic (3); Likely pathogenic (1). Last evaluated 2025-10-27.

Conditions:
Cardiomyopathy (CMYO). Also called: Cardiomyopathies. Identifiers: Orphanet 167848, MedGen C0878544, MONDO:0004994, HP:0001638. Inheritance: Various modes of inheritance.
Arrhythmogenic right ventricular dysplasia 9 (ARVD9). Also called: Arrhythmogenic Right Ventricular Dysplasia/Cardiomyopathy 9; ARRHYTHMOGENIC RIGHT VENTRICULAR DYSPLASIA, FAMILIAL, 9. Identifiers: MedGen C1836906, MONDO:0012180, OMIM 609040.
Arrhythmogenic right ventricular cardiomyopathy (ARVD). Also called: Arrhythmogenic cardiomyopathy; Arrhythmogenic Right Ventricular Cardiomyopathy (ARVC); Cardiomyopathy, ARVC; Arrhythmogenic right ventricular dysplasia. Identifiers: Orphanet 247, MedGen C0349788, MeSH D019571, MONDO:0016587. Disease mechanism: loss of function. Inheritance: Various modes of inheritance.

Submissions (4):

Labcorp Genetics (formerly Invitae), Labcorp
Classification: Pathogenic for Arrhythmogenic right ventricular dysplasia 9. Last evaluated: 2025-10-27. Review status: criteria provided, single submitter. Criteria: Invitae Variant Classification Sherloc (09022015). Collection method: clinical testing. Allele origin: germline.
Comment: This sequence change creates a premature translational stop signal (p.Gln323Argfs*29) in the PKP2 gene. It is expected to result in an absent or disrupted protein product. Loss-of-function variants in PKP2 are known to be pathogenic (PMID: 15489853, 17041889, 23911551). Information on the frequency of this variant in the gnomAD database is not available, as this variant may be reported differently in the database. This variant has not been reported in the literature in individuals affected with PKP2-related conditions. For these reasons, this variant has been classified as Pathogenic.

All of Us Research Program, National Institutes of Health
Classification: Pathogenic for Arrhythmogenic right ventricular cardiomyopathy. Last evaluated: 2023-09-18. Review status: criteria provided, single submitter. Criteria: ACMG Guidelines, 2015. Collection method: clinical testing. Allele origin: germline. Inheritance: Autosomal dominant inheritance. Observed: 1 variant allele, 1 heterozygote.
Comment: This variant replaces 4 nucleotides in exon 3 of the PKP2 gene with 3 novel nucleotides, causing a frameshift and premature truncation stop signal. This variant is expected to result in an absent or nonfunctional protein product. This variant has not been reported in individuals affected with PKP2-related disorders in the literature. This variant has not been identified in the general population by the Genome Aggregation Database (gnomAD). Loss of PKP2 function is a known mechanism of disease. Based on the available evidence, this variant is classified as Pathogenic.

This study involves interpretation of variants in research participants for the purpose of population health screening. Participant phenotype was not available at the time of variant classification. Additional details can be found in publication PMID: 35346344, PMCID: PMC8962531

Color Diagnostics, LLC DBA Color Health
Classification: Pathogenic for Cardiomyopathy. Last evaluated: 2023-08-31. Review status: criteria provided, single submitter. Criteria: ACMG Guidelines, 2015. Collection method: clinical testing. Allele origin: germline.
Comment: This variant replaces 4 nucleotides in exon 3 of the PKP2 gene with 3 novel nucleotides, causing a frameshift and premature truncation stop signal. This variant is expected to result in an absent or nonfunctional protein product. This variant has not been reported in individuals affected with PKP2-related disorders in the literature. This variant has not been identified in the general population by the Genome Aggregation Database (gnomAD). Loss of PKP2 function is a known mechanism of disease. Based on the available evidence, this variant is classified as Pathogenic.

Laboratory for Molecular Medicine, Mass General Brigham Personalized Medicine
Classification: Likely pathogenic for Arrhythmogenic right ventricular cardiomyopathy. Last evaluated: 2017-10-09. Review status: criteria provided, single submitter. Criteria: LMM Criteria. Collection method: clinical testing. Allele origin: germline. Inheritance: Autosomal dominant inheritance. Observed: 1 variant allele.
Comment: The p.Gln323fs variant in PKP2 has not been previously reported in individuals w ith arrhythmogenic right ventricular cardiomyopathy (ARVC) or in large populatio n studies. This variant is predicted to cause a frameshift, which alters the pro tein?s amino acid sequence beginning at position 323 and leads to a premature te rmination codon 29 amino acids downstream. This alteration is then predicted to lead to a truncated or absent protein. Loss of function is an established mechan ism of disease for the PKP2 gene. In summary, although additional studies are re quired to fully establish its clinical significance, the p.Gln323fs variant is l ikely pathogenic.

Literature cited by the submitters: PubMed 15489853 (cited by Labcorp Genetics (formerly Invitae), Labcorp); PubMed 17041889 (cited by Labcorp Genetics (formerly Invitae), Labcorp); PubMed 23911551 (cited by Labcorp Genetics (formerly Invitae), Labcorp).

NM_001005242.3(PKP2):c.968_971delinsGCT (p.Gln323fs)

Gene: PKP2 (plakophilin 2; minus strand). Cytogenetic location: 12p11.21.
Variant type: Indel.
Coding change: c.968_971delinsGCT on transcript NM_001005242.3 (MANE Select); coding-DNA positions 968 to 971, AGGC replaced by GCT.
Protein change: p.Gln323fs; shifts the reading frame from glutamine 323.
Molecular consequence: frameshift variant.
Genome position (GRCh38, 1-based): chr12:32,877,909-32,877,912, GCCT replaced by AGC on the plus strand (AGGC replaced by GCT on the coding strand, the reverse complement: PKP2 is on the minus strand). VCF-style: chr12-32877909-GCCT-AGC. GRCh37 (hg19) VCF-style: chr12-33030843-GCCT-AGC.
Other names: c.968_971delinsGCT, p.Gln323fs (NM_004572.4); short protein forms Q323fs.
Identifiers: ClinVar variation 517446 (VCV000517446.11), dbSNP rs1555148035, ClinGen allele CA658797864.